The following is an entry in ClinVar:

ClinVar aggregate classification (germline): Uncertain significance (1 of 4 stars; one submission).

Conditions:
Inborn genetic diseases. Identifiers: MedGen C0950123, MeSH D030342.

gnomAD v4.1: 1 of 1,613,732 alleles (0.000062%); highest among the groups gnomAD compares: Non-Finnish European, 0.000085%; no homozygotes.

Submission:

Ambry Genetics
Classification: Uncertain significance for Inborn genetic diseases. Last evaluated: 2025-08-04. Review status: criteria provided, single submitter. Criteria: Ambry Variant Classification Scheme 2023. Collection method: clinical testing. Allele origin: germline.
Comment: The p.Y998C variant (also known as c.2993A>G), located in coding exon 31 of the FANCA gene, results from an A to G substitution at nucleotide position 2993. The tyrosine at codon 998 is replaced by cysteine, an amino acid with highly dissimilar properties. This amino acid position is conserved. In addition, this alteration is predicted to be tolerated by in silico analysis. Based on the available evidence, the clinical significance of this variant remains unclear.

NM_000135.4(FANCA):c.2993A>G (p.Tyr998Cys)

Gene: FANCA (FA complementation group A; minus strand). Cytogenetic location: 16q24.3.
Variant type: single nucleotide variant.
Coding change: c.2993A>G on transcript NM_000135.4 (MANE Select); coding-DNA position 2993, A replaced by G.
Protein change: p.Tyr998Cys; replaces tyrosine 998 with cysteine.
Molecular consequence: missense variant.
Genome position (GRCh38, 1-based): chr16:89,752,211, T>C on the plus strand (A>G on the coding strand, the complement: FANCA is on the minus strand). VCF-style: chr16-89752211-T-C. GRCh37 (hg19) VCF-style: chr16-89818619-T-C.
Other names: c.2993A>G, p.Tyr998Cys (NM_001286167.3); short protein forms Y998C.
Identifiers: ClinVar variation 4254261 (VCV004254261.1).
Genomic context (GRCh38, chr16:89,752,211, plus strand): 5'-ATAATATCCTCATTTCCTGTGCGGCCACCAAAGACCAAATCAGAATTTTCTGAGTGGTCA[T>C]AACTCCTTGAGCTGAAATGAAAATACAATAAAATCCTCCTCAGTATCGCCTAATAGTGCT-3'
Protein context (NP_000126.2, residues 988-1008): LMDFHQSSRS[Tyr998Cys]DHSENSDLVF